The following is an entry in ClinVar:

NM_001005242.3(PKP2):c.2168-11del

Gene: PKP2 (plakophilin 2; minus strand). Cytogenetic location: 12p11.21.
Variant type: Deletion.
Coding change: c.2168-11del on transcript NM_001005242.3 (MANE Select); 11 bases into the intron before coding-DNA position 2168, one base deleted (T; older notation c.2168-11delT).
Molecular consequence: intron variant.
Genome position (GRCh38, 1-based): chr12:32,796,309, A deleted on the plus strand (T on the coding strand, the reverse complement: PKP2 is on the minus strand); the first of 10 consecutive A bases (chr12:32,796,309-32,796,318); deleting any one gives the same sequence. VCF-style (leftmost placement, unchanged base first): chr12-32796308-GA-G. GRCh37 (hg19) VCF-style: chr12-32949242-GA-G.
Other names: c.2300-11del (NM_004572.4); c.2300-11delT (NM_004572.3).
Identifiers: ClinVar variation 496257 (VCV000496257.9), dbSNP rs746936605, ClinGen allele CA6508275.
Genomic context (GRCh38, chr12:32,796,308, plus strand): 5'-TCGGGACTGTGTCAGGAATGATGGAAACCAAATCAGGGAGAGTTTCTTTGGCTACAAAAT[GA>G]AAAAAAAAACAAAACACTTGATTAAAAAGATTGTTTCTTAATCCCAAGATCCCAATATAT-3'

ClinVar aggregate classification (germline): Benign/Likely benign. Review status: criteria provided, multiple submitters, no conflicts (2 of 4 stars). 5 submissions from 5 submitters: Benign (2); Likely benign (2). 1 of the submissions does not count toward it. Last evaluated 2025-10-17.

Conditions:
Arrhythmogenic right ventricular dysplasia 9 (ARVD9). Also called: Arrhythmogenic Right Ventricular Dysplasia/Cardiomyopathy 9; ARRHYTHMOGENIC RIGHT VENTRICULAR DYSPLASIA, FAMILIAL, 9. Identifiers: MedGen C1836906, MONDO:0012180, OMIM 609040.

Submissions (5):

Labcorp Genetics (formerly Invitae), Labcorp
Classification: Benign for Arrhythmogenic right ventricular dysplasia 9. Last evaluated: 2025-10-17. Review status: criteria provided, single submitter. Criteria: Invitae Variant Classification Sherloc (09022015). Collection method: clinical testing. Allele origin: germline.

Blueprint Genetics
Classification: Likely benign. Last evaluated: 2023-10-09. Review status: criteria provided, single submitter. Criteria: ACMG Guidelines, 2015. Collection method: clinical testing. Allele origin: germline.

Women's Health and Genetics/Laboratory Corporation of America, LabCorp
Classification: Benign. Last evaluated: 2016-08-31. Review status: criteria provided, single submitter. Criteria: LabCorp Variant Classification Summary - May 2015. Collection method: clinical testing. Allele origin: germline.
Comment: Variant summary: The PKP2 c.2300-11delT variant involves the alteration of a non-conserved intronic nucleotide. One in silico tool predicts a benign outcome for this variant. 5/5 splice prediction tools predict no significant impact on normal splicing. However, these predictions have yet to be confirmed by functional studies. This variant was found in 468/80032 control chromosomes, predominantly observed in the European (Non-Finnish) subpopulation at a frequency of 0.0088062 (392/44514). This frequency is about 14 times the estimated maximal expected allele frequency of a pathogenic PKP2 variant (0.0006502), suggesting this is likely a benign polymorphism found primarily in the populations of European (Non-Finnish) origin. The variant of interest has not, to our knowledge, been reported in affected individuals via publications and/or reputable databases/clinical diagnostic laboratories; nor evaluated for functional impact by in vivo/vitro studies. Taken together, this variant is classified as benign.

Genome Diagnostics Laboratory, University Medical Center Utrecht
Classification: Likely benign for Arrhythmogenic right ventricular dysplasia 9. Last evaluated: 2014-10-09. Review status: criteria provided, single submitter. Criteria: ACGS Guidelines, 2013. Collection method: clinical testing. Allele origin: germline. Affected: yes. Study: VKGL Data-share Consensus.

Clinical Genetics, Academic Medical Center
Classification: Benign. Review status: no assertion criteria provided. Collection method: clinical testing. Allele origin: germline. Affected: yes. Study: VKGL Data-share Consensus. Not counted in ClinVar's aggregate classification.